The following is an entry in ClinVar:

NM_001457.4(FLNB):c.687A>G (p.Ser229=)

Gene: FLNB (filamin B; plus strand). Cytogenetic location: 3p14.3.
Variant type: single nucleotide variant.
Coding change: c.687A>G on transcript NM_001457.4 (MANE Select); coding-DNA position 687, A replaced by G.
Protein change: p.Ser229=; no amino-acid change (serine 229 retained).
Molecular consequence: synonymous variant.
Genome position (GRCh38, 1-based): chr3:58,081,676, A>G. VCF-style: chr3-58081676-A-G. GRCh37 (hg19) VCF-style: chr3-58067403-A-G.
Other names: c.687A>G, p.Ser229= (NM_001164317.2, NM_001164318.2, NM_001164319.2); c.687A>G (NM_001457.3).
Identifiers: ClinVar variation 2176190 (VCV002176190.5), dbSNP rs143743264, ClinGen allele CA2467599.

ClinVar aggregate classification (germline): Likely benign. Review status: criteria provided, multiple submitters, no conflicts (2 of 4 stars). 2 submissions from 2 submitters: Likely benign (2). Last evaluated 2025-12-24.

Conditions:
FLNB-related disorder. Also called: FLNB-related condition; FLNB-related disorders. Identifiers: MedGen CN381095.

Allele frequency attached by ClinVar (database versions not stated): ExAC 0.00001; gnomAD exomes 0.00001; gnomAD 0.00002; TOPMed 0.00002; ESP Exome Variant Server 0.00008.
gnomAD v4.1: 16 of 1,614,000 alleles (0.00099%); highest among the groups gnomAD compares: Non-Finnish European, 0.0013%; no homozygotes.

Submissions (2):

Labcorp Genetics (formerly Invitae), Labcorp
Classification: Likely benign. Last evaluated: 2025-12-24. Review status: criteria provided, single submitter. Criteria: Invitae Variant Classification Sherloc (09022015). Collection method: clinical testing. Allele origin: germline.

PreventionGenetics, part of Exact Sciences
Classification: Likely benign for FLNB-related condition. Last evaluated: 2025-05-24. Review status: criteria provided, single submitter. Criteria: ACMG Guidelines, 2015. Collection method: clinical testing. Allele origin: germline.
Comment: This variant is classified as likely benign based on ACMG/AMP sequence variant interpretation guidelines (Richards et al. 2015 PMID: 25741868, with internal and published modifications).